The following is an entry in ClinVar:

ClinVar aggregate classification (germline): Uncertain significance (1 of 4 stars; one submission).

Conditions:
Neurofibromatosis, type 1 (NF1). Also called: Neurofibromatosis, type I; Peripheral type neurofibromatosis; NEUROFIBROMATOSIS, TYPE I, SOMATIC; VON RECKLINGHAUSEN DISEASE. Identifiers: Orphanet 636, MedGen C0027831, MONDO:0018975, OMIM 162200. Disease mechanism: loss of function.

Submission:

Labcorp Genetics (formerly Invitae), Labcorp
Classification: Uncertain significance for Neurofibromatosis, type 1. Last evaluated: 2022-05-26. Review status: criteria provided, single submitter. Criteria: Invitae Variant Classification Sherloc (09022015). Collection method: clinical testing. Allele origin: germline.
Comment: This sequence change falls in intron 8 of the NF1 gene. It does not directly change the encoded amino acid sequence of the NF1 protein. This variant is not present in population databases (gnomAD no frequency). This variant has not been reported in the literature in individuals affected with NF1-related conditions. Algorithms developed to predict the effect of sequence changes on RNA splicing suggest that this variant may disrupt the consensus splice site. In summary, the available evidence is currently insufficient to determine the role of this variant in disease. Therefore, it has been classified as a Variant of Uncertain Significance.

NM_001042492.3(NF1):c.889-6C>G

Gene: NF1 (neurofibromin 1; plus strand). Cytogenetic location: 17q11.2.
Variant type: single nucleotide variant.
Coding change: c.889-6C>G on transcript NM_001042492.3 (MANE Select); 6 bases into the intron before coding-DNA position 889, C replaced by G.
Molecular consequence: intron variant.
Genome position (GRCh38, 1-based): chr17:31,200,416, C>G. VCF-style: chr17-31200416-C-G. GRCh37 (hg19) VCF-style: chr17-29527434-C-G.
Other names: c.889-6C>G (NM_000267.4, NM_001128147.3).
Identifiers: ClinVar variation 1999155 (VCV001999155.4), dbSNP rs2143871772, ClinGen allele CA2580092774.